The following is an entry in ClinVar:

ClinVar aggregate classification (germline): Uncertain significance (1 of 4 stars; one submission).

Conditions:
Progressive myoclonic epilepsy. Also called: Familial progressive myoclonic epilepsy; Myoclonic Epilepsies, Progressive; Myoclonus epilepsy; Progressive myoclonus epilepsy. Identifiers: Orphanet 308, Orphanet 98261, MedGen C0751778, MONDO:0020074.

Submission:

Labcorp Genetics (formerly Invitae), Labcorp
Classification: Uncertain significance for Progressive myoclonic epilepsy. Last evaluated: 2024-02-23. Review status: criteria provided, single submitter. Criteria: Invitae Variant Classification Sherloc (09022015). Collection method: clinical testing. Allele origin: germline.
Comment: This sequence change replaces serine, which is neutral and polar, with proline, which is neutral and non-polar, at codon 110 of the SCARB2 protein (p.Ser110Pro). This variant is not present in population databases (gnomAD no frequency). This variant has not been reported in the literature in individuals affected with SCARB2-related conditions. ClinVar contains an entry for this variant (Variation ID: 1713762). Advanced modeling of protein sequence and biophysical properties (such as structural, functional, and spatial information, amino acid conservation, physicochemical variation, residue mobility, and thermodynamic stability) performed at Invitae indicates that this missense variant is expected to disrupt SCARB2 protein function with a positive predictive value of 80%. In summary, the available evidence is currently insufficient to determine the role of this variant in disease. Therefore, it has been classified as a Variant of Uncertain Significance.

NM_005506.4(SCARB2):c.328T>C (p.Ser110Pro)

Gene: SCARB2 (scavenger receptor class B member 2; minus strand). Cytogenetic location: 4q21.1.
Variant type: single nucleotide variant.
Coding change: c.328T>C on transcript NM_005506.4 (MANE Select); coding-DNA position 328, T replaced by C.
Protein change: p.Ser110Pro; replaces serine 110 with proline.
Molecular consequence: missense variant. On other transcripts: intron variant (1).
Genome position (GRCh38, 1-based): chr4:76,181,049, A>G on the plus strand (T>C on the coding strand, the complement: SCARB2 is on the minus strand). VCF-style: chr4-76181049-A-G. GRCh37 (hg19) VCF-style: chr4-77102202-A-G.
Other names: c.276-5139T>C (NM_001204255.2); short protein forms S110P.
Identifiers: ClinVar variation 1713762 (VCV001713762.5), dbSNP rs2476255754, ClinGen allele CA357327284.